The following is an entry in ClinVar:

ClinVar aggregate classification (germline): Uncertain significance (1 of 4 stars; one submission).

Conditions:
Hereditary cancer-predisposing syndrome. Also called: Tumor predisposition; Hereditary Cancer Syndrome; Neoplastic Syndromes, Hereditary; Hereditary neoplastic syndrome. Identifiers: Orphanet 140162, MedGen C0027672, MeSH D009386, MONDO:0015356.

Submission:

Ambry Genetics
Classification: Uncertain significance for Hereditary cancer-predisposing syndrome. Last evaluated: 2022-01-05. Review status: criteria provided, single submitter. Criteria: Ambry Variant Classification Scheme 2023. Collection method: clinical testing. Allele origin: germline.
Comment: The p.D929E variant (also known as c.2787T>A), located in coding exon 16 of the DICER1 gene, results from a T to A substitution at nucleotide position 2787. The aspartic acid at codon 929 is replaced by glutamic acid, an amino acid with highly similar properties. This amino acid position is highly conserved in available vertebrate species. In addition, the in silico prediction for this alteration is inconclusive. Since supporting evidence is limited at this time, the clinical significance of this alteration remains unclear.

NM_177438.3(DICER1):c.2787T>A (p.Asp929Glu)

Gene: DICER1 (dicer 1, ribonuclease III; minus strand). Cytogenetic location: 14q32.13.
Variant type: single nucleotide variant.
Coding change: c.2787T>A on transcript NM_177438.3 (MANE Select); coding-DNA position 2787, T replaced by A.
Protein change: p.Asp929Glu; replaces aspartic acid 929 with glutamic acid.
Molecular consequence: missense variant. On other transcripts: non-coding transcript variant (6).
Genome position (GRCh38, 1-based): chr14:95,107,625, A>T on the plus strand (T>A on the coding strand, the complement: DICER1 is on the minus strand). VCF-style: chr14-95107625-A-T. GRCh37 (hg19) VCF-style: chr14-95573962-A-T.
Other names: c.2787T>A, p.Asp929Glu (NM_001195573.1, NM_001271282.3, NM_001291628.2 and 13 more transcripts); c.2505T>A, p.Asp835Glu (NM_001395686.1); c.2382T>A, p.Asp794Glu (NM_001395687.1, NM_001395688.1, NM_001395689.1 and 2 more transcripts); c.2220T>A, p.Asp740Glu (NM_001395691.1); c.1104T>A, p.Asp368Glu (NM_001395697.1); short protein forms D929E, D368E, D740E, D794E, D835E.
Identifiers: ClinVar variation 1795997 (VCV001795997.2), dbSNP rs1891553312, ClinGen allele CA390879433.